The following is an entry in ClinVar:

ClinVar aggregate classification (germline): Benign/Likely benign. Review status: criteria provided, multiple submitters, no conflicts (2 of 4 stars). 3 submissions from 3 submitters: Benign (1); Likely benign (2). Last evaluated 2024-02-09.

Conditions:
Cardiomyopathy (CMYO). Also called: Cardiomyopathies. Identifiers: Orphanet 167848, MedGen C0878544, MONDO:0004994, HP:0001638. Inheritance: Various modes of inheritance.
Arrhythmogenic cardiomyopathy with wooly hair and keratoderma. Also called: Carvajal syndrome; Dilated cardiomyopathy with woolly hair and keratoderma; Arrhythmogenic cardiomyopathy with woolly hair and keratoderma; PALMOPLANTAR KERATODERMA WITH LEFT VENTRICULAR CARDIOMYOPATHY AND WOOLLY HAIR. Identifiers: Orphanet 65282, MedGen C1854063, MONDO:0011581, OMIM 605676.
Arrhythmogenic right ventricular dysplasia 8 (ARVD8). Also called: Arrhythmogenic Right Ventricular Dysplasia/Cardiomyopathy 8; ARRHYTHMOGENIC RIGHT VENTRICULAR DYSPLASIA, FAMILIAL, 8; ARRHYTHMOGENIC RIGHT VENTRICULAR CARDIOMYOPATHY 8. Identifiers: MedGen C1843896, MONDO:0011831, OMIM 607450.

Allele frequency attached by ClinVar (database versions not stated): gnomAD exomes 0.00001.
gnomAD v4.1: 3 of 1,613,926 alleles (0.00019%); highest among the groups gnomAD compares: Admixed American, 0.005%; no homozygotes.

Submissions (3):

Labcorp Genetics (formerly Invitae), Labcorp
Classification: Benign for Arrhythmogenic cardiomyopathy with wooly hair and keratoderma; Arrhythmogenic right ventricular dysplasia 8. Last evaluated: 2024-02-09. Review status: criteria provided, single submitter. Criteria: Invitae Variant Classification Sherloc (09022015). Collection method: clinical testing. Allele origin: germline.

All of Us Research Program, National Institutes of Health
Classification: Likely benign for Arrhythmogenic cardiomyopathy with wooly hair and keratoderma. Last evaluated: 2023-12-01. Review status: criteria provided, single submitter. Criteria: ACMG Guidelines, 2015. Collection method: clinical testing. Allele origin: germline. Inheritance: Autosomal dominant inheritance. Observed: 2 variant alleles, 2 heterozygotes.
Comment: This study involves interpretation of variants in research participants for the purpose of population health screening. Participant phenotype was not available at the time of variant classification. Additional details can be found in publication PMID: 35346344, PMCID: PMC8962531

Color Diagnostics, LLC DBA Color Health
Classification: Likely benign for Cardiomyopathy. Last evaluated: 2021-07-08. Review status: criteria provided, single submitter. Criteria: ACMG Guidelines, 2015. Collection method: clinical testing. Allele origin: germline.

NM_004415.4(DSP):c.3039T>C (p.Tyr1013=)

Gene: DSP (desmoplakin; plus strand). Cytogenetic location: 6p24.3.
Variant type: single nucleotide variant.
Coding change: c.3039T>C on transcript NM_004415.4 (MANE Select); coding-DNA position 3039, T replaced by C.
Protein change: p.Tyr1013=; no amino-acid change (tyrosine 1013 retained).
Molecular consequence: synonymous variant.
Genome position (GRCh38, 1-based): chr6:7,578,517, T>C. VCF-style: chr6-7578517-T-C. GRCh37 (hg19) VCF-style: chr6-7578750-T-C.
Other names: c.3039T>C, p.Tyr1013= (NM_001008844.3, NM_001319034.2).
Identifiers: ClinVar variation 1331737 (VCV001331737.6), dbSNP rs1383881452, ClinGen allele CA448531185.